The following is an entry in ClinVar:

ClinVar aggregate classification (germline): Uncertain significance (1 of 4 stars; one submission).

Conditions:
Inborn genetic diseases. Identifiers: MedGen C0950123, MeSH D030342.

Submission:

Ambry Genetics
Classification: Uncertain significance for Inborn genetic diseases. Last evaluated: 2025-01-20. Review status: criteria provided, single submitter. Criteria: Ambry Variant Classification Scheme 2023. Collection method: clinical testing. Allele origin: germline.
Comment: The p.L183S variant (also known as c.548T>C), located in coding exon 3 of the ERCC6L2 gene, results from a T to C substitution at nucleotide position 548. The leucine at codon 183 is replaced by serine, an amino acid with dissimilar properties. This amino acid position is conserved. In addition, this alteration is predicted to be deleterious by in silico analysis. Based on the available evidence, the clinical significance of this variant remains unclear.

NM_020207.7(ERCC6L2):c.548T>C (p.Leu183Ser)

Gene: ERCC6L2 (ERCC excision repair 6 like 2; plus strand). Cytogenetic location: 9q22.32.
Variant type: single nucleotide variant.
Coding change: c.548T>C on transcript NM_020207.7 (MANE Select); coding-DNA position 548, T replaced by C.
Protein change: p.Leu183Ser; replaces leucine 183 with serine.
Molecular consequence: missense variant. On other transcripts: non-coding transcript variant (1).
Genome position (GRCh38, 1-based): chr9:95,897,925, T>C. VCF-style: chr9-95897925-T-C. GRCh37 (hg19) VCF-style: chr9-98660207-T-C.
Other names: c.548T>C, p.Leu183Ser (NM_001010895.4, NM_001375291.1, NM_001375292.1 and 2 more transcripts); short protein forms L183S.
Identifiers: ClinVar variation 3845884 (VCV003845884.1).